The following is an entry in ClinVar:

NM_001164508.2(NEB):c.302dup (p.Tyr101Ter)

Gene: NEB (nebulin; minus strand). Cytogenetic location: 2q23.3.
Variant type: Duplication.
Coding change: c.302dup on transcript NM_001164508.2 (MANE Select); coding-DNA position 302, one base duplicated (A; older notation c.302dupA).
Protein change: p.Tyr101Ter; replaces tyrosine 101 with a stop codon.
Molecular consequence: nonsense.
Genome position (GRCh38, 1-based): chr2:151,725,553, T duplicated on the plus strand (A on the coding strand, the reverse complement: NEB is on the minus strand). VCF-style (leftmost placement, unchanged base first): chr2-151725552-G-GT. GRCh37 (hg19) VCF-style: chr2-152582066-G-GT.
Other names: c.302dup, p.Tyr101Ter (NM_001164507.2, NM_001271208.2, NM_004543.5); short protein forms Y101*.
Identifiers: ClinVar variation 3233266 (VCV003233266.2), dbSNP rs2552280001.
Genomic context (GRCh38, chr2:151,725,552, plus strand): 5'-TTCTGGAGTATCTGTTGTGCTGGCGTATGGCTGTCCTTTTGTTTTCTCAAACTTCTCCTT[G>GT]TATTTATTCTGAAAAGAATATCAGATATTAGCCTAACAAGACAGCAGTGAAAATTTCAGG-3'

ClinVar aggregate classification (germline): Pathogenic (1 of 4 stars; one submission).

Conditions:
Nemaline myopathy. Also called: Myopathies, Nemaline. Identifiers: Orphanet 607, MedGen C0206157, MONDO:0018958.

Submission:

Muscle and Diseases Team, Institut de Génétique et Biologie Moléculaire et Cellulaire
Classification: Pathogenic for Nemaline myopathy. Last evaluated: 2024-03-01. Review status: criteria provided, single submitter. Criteria: ACMG Guidelines, 2015. Collection method: research. Allele origin: unknown. Affected: yes. Observed: 1 variant allele.
Comment: PVS1+PS3+PM1+PM2+PP3+PP4

Literature cited by the submitters: DOI 10.1186/s13073-024-01353-0; PubMed 25205138; PubMed 24725366.